The following is an entry in ClinVar:

NM_170606.3(KMT2C):c.403G>A (p.Ala135Thr)

Gene: KMT2C (lysine methyltransferase 2C; minus strand). Cytogenetic location: 7q36.1.
Variant type: single nucleotide variant.
Coding change: c.403G>A on transcript NM_170606.3 (MANE Select); coding-DNA position 403, G replaced by A.
Protein change: p.Ala135Thr; replaces alanine 135 with threonine.
Molecular consequence: missense variant.
Genome position (GRCh38, 1-based): chr7:152,315,325, C>T on the plus strand (G>A on the coding strand, the complement: KMT2C is on the minus strand). VCF-style: chr7-152315325-C-T. GRCh37 (hg19) VCF-style: chr7-152012410-C-T.
Other names: short protein forms A135T.
Identifiers: ClinVar variation 2091547 (VCV002091547.4), dbSNP rs2096712267, ClinGen allele CA370197228.

ClinVar aggregate classification (germline): Uncertain significance (1 of 4 stars; one submission).

Allele frequency attached by ClinVar (database versions not stated): TOPMed 0.00001.
gnomAD v4.1: 4 of 1,613,442 alleles (0.00025%); highest among the groups gnomAD compares: Non-Finnish European, 0.00034%; no homozygotes.

Submission:

Labcorp Genetics (formerly Invitae), Labcorp
Classification: Uncertain significance. Last evaluated: 2022-02-10. Review status: criteria provided, single submitter. Criteria: Invitae Variant Classification Sherloc (09022015). Collection method: clinical testing. Allele origin: germline.
Comment: Algorithms developed to predict the effect of missense changes on protein structure and function are either unavailable or do not agree on the potential impact of this missense change (SIFT: "Deleterious"; PolyPhen-2: "Probably Damaging"; Align-GVGD: "Class C0"). In summary, the available evidence is currently insufficient to determine the role of this variant in disease. Therefore, it has been classified as a Variant of Uncertain Significance. This variant has not been reported in the literature in individuals affected with KMT2C-related conditions. This variant is not present in population databases (gnomAD no frequency). This sequence change replaces alanine, which is neutral and non-polar, with threonine, which is neutral and polar, at codon 135 of the KMT2C protein (p.Ala135Thr).